The following is an entry in ClinVar:

ClinVar aggregate classification (germline): Benign/Likely benign. Review status: criteria provided, multiple submitters, no conflicts (2 of 4 stars). 7 submissions from 7 submitters: Benign (1); Likely benign (3). 3 of the submissions do not count toward it. Last evaluated 2025-10-01.

Conditions:
BMP15-related disorder. Also called: BMP15-related condition.
Ovarian dysgenesis 2 (ODG2). Also called: OVARIAN DYSGENESIS, HYPERGONADOTROPIC, X-LINKED; OVARIAN FAILURE, HYPERGONADOTROPIC, DUE TO OVARIAN DYSGENESIS. Identifiers: Orphanet 243, MedGen C1845294, MONDO:0010349, OMIM 300510.

Allele frequency attached by ClinVar (database versions not stated): 1000 Genomes Project 30x 0.00062; 1000 Genomes Project 0.00079; TOPMed 0.00114; ESP Exome Variant Server 0.00123; gnomAD 0.00156 and 0.00162; gnomAD exomes 0.00205 and 0.00221; ExAC 0.00228.

Submissions (7):

CeGaT Center for Human Genetics Tuebingen
Classification: Benign. Last evaluated: 2025-10-01. Review status: criteria provided, single submitter. Criteria: CeGaT Center For Human Genetics Tuebingen Variant Classification Criteria Version 2. Collection method: clinical testing. Allele origin: germline. Affected: yes. Observed: 7 variant alleles.
Comment: BMP15: BP4, BS1, BS2

Blueprint Genetics
Classification: Likely benign. Last evaluated: 2024-10-28. Review status: criteria provided, single submitter. Criteria: ACMG Guidelines, 2015. Collection method: clinical testing. Allele origin: germline.

Labcorp Genetics (formerly Invitae), Labcorp
Classification: Likely benign. Last evaluated: 2019-12-31. Review status: criteria provided, single submitter. Criteria: Invitae Variant Classification Sherloc (09022015). Collection method: clinical testing. Allele origin: germline.

Illumina Laboratory Services, Illumina
Classification: Likely benign for Ovarian dysgenesis 2. Last evaluated: 2017-04-27. Review status: criteria provided, single submitter. Criteria: ICSL Variant Classification Criteria 13 December 2019. Collection method: clinical testing. Allele origin: germline.
Comment: This variant was observed as part of a predisposition screen in an ostensibly healthy population. A literature search was performed for the gene, cDNA change, and amino acid change (where applicable). Publications were found based on this search. The evidence from the literature, in combination with allele frequency data from public databases where available, was sufficient to determine this variant is unlikely to cause disease. Therefore, this variant is classified as likely benign.

PreventionGenetics, part of Exact Sciences
Classification: Benign for BMP15-related condition. Last evaluated: 2019-07-24. Review status: no assertion criteria provided. Collection method: clinical testing. Allele origin: germline. Not counted in ClinVar's aggregate classification.
Comment: This variant is classified as benign based on ACMG/AMP sequence variant interpretation guidelines (Richards et al. 2015 PMID: 25741868, with internal and published modifications).

Clinical Genetics DNA and cytogenetics Diagnostics Lab, Erasmus MC, Erasmus Medical Center
Classification: Likely benign. Review status: no assertion criteria provided. Collection method: clinical testing. Allele origin: germline. Affected: yes. Study: VKGL Data-share Consensus. Not counted in ClinVar's aggregate classification.

Genome Diagnostics Laboratory, University Medical Center Utrecht
Classification: Likely benign. Review status: no assertion criteria provided. Collection method: clinical testing. Allele origin: germline. Affected: yes. Study: VKGL Data-share Consensus. Not counted in ClinVar's aggregate classification.

Literature cited by the submitters: PubMed 18614612 (cited by Illumina Laboratory Services, Illumina); PubMed 20364024 (cited by Illumina Laboratory Services, Illumina).

NM_005448.2(BMP15):c.581T>C (p.Phe194Ser)

Gene: BMP15 (bone morphogenetic protein 15; plus strand). Cytogenetic location: Xp11.22.
Variant type: single nucleotide variant.
Coding change: c.581T>C on transcript NM_005448.2 (MANE Select); coding-DNA position 581, T replaced by C.
Protein change: p.Phe194Ser; replaces phenylalanine 194 with serine.
Molecular consequence: missense variant.
Genome position (GRCh38, 1-based): chrX:50,916,009, T>C. VCF-style: chrX-50916009-T-C. GRCh37 (hg19) VCF-style: chrX-50659009-T-C.
Other names: short protein forms F194S.
Identifiers: ClinVar variation 368539 (VCV000368539.37), dbSNP rs141218518, ClinGen allele CA10416563.